The following is an entry in ClinVar:

NM_004006.3(DMD):c.3795G>T (p.Trp1265Cys)

Gene: DMD (dystrophin; minus strand). Cytogenetic location: Xp21.1.
Variant type: single nucleotide variant.
Coding change: c.3795G>T on transcript NM_004006.3 (MANE Select); coding-DNA position 3795, G replaced by T.
Protein change: p.Trp1265Cys; replaces tryptophan 1265 with cysteine.
Molecular consequence: missense variant.
Genome position (GRCh38, 1-based): chrX:32,441,306, C>A on the plus strand (G>T on the coding strand, the complement: DMD is on the minus strand). VCF-style: chrX-32441306-C-A. GRCh37 (hg19) VCF-style: chrX-32459423-C-A.
Other names: c.3771G>T, p.Trp1257Cys (NM_000109.4); c.3783G>T, p.Trp1261Cys (NM_004009.3); c.3426G>T, p.Trp1142Cys (NM_004010.3); short protein forms W1142C, W1265C, W1261C, W1257C.
Identifiers: ClinVar variation 2095116 (VCV002095116.4), dbSNP rs1603633545, ClinGen allele CA412670602.

ClinVar aggregate classification (germline): Uncertain significance (1 of 4 stars; one submission).

Conditions:
Duchenne muscular dystrophy (DMD). Also called: MUSCULAR DYSTROPHY, PSEUDOHYPERTROPHIC PROGRESSIVE, DUCHENNE TYPE; Duchenne Muscular Dystrophy (DMD). Identifiers: Orphanet 98896, MedGen C0013264, MONDO:0010679, OMIM 310200.

Submission:

Labcorp Genetics (formerly Invitae), Labcorp
Classification: Uncertain significance for Duchenne muscular dystrophy. Last evaluated: 2022-02-08. Review status: criteria provided, single submitter. Criteria: Invitae Variant Classification Sherloc (09022015). Collection method: clinical testing. Allele origin: germline.
Comment: This sequence change replaces tryptophan, which is neutral and slightly polar, with cysteine, which is neutral and slightly polar, at codon 1265 of the DMD protein (p.Trp1265Cys). This variant is not present in population databases (gnomAD no frequency). This variant has not been reported in the literature in individuals affected with DMD-related conditions. Algorithms developed to predict the effect of missense changes on protein structure and function are either unavailable or do not agree on the potential impact of this missense change (SIFT: "Tolerated"; PolyPhen-2: "Probably Damaging"; Align-GVGD: "Class C0"). In summary, the available evidence is currently insufficient to determine the role of this variant in disease. Therefore, it has been classified as a Variant of Uncertain Significance.